The following is an entry in ClinVar:

ClinVar aggregate classification (germline): Conflicting classifications of pathogenicity. Review status: criteria provided, conflicting classifications (1 of 4 stars). 3 submissions from 3 submitters: Pathogenic (1); Uncertain significance (1). 1 of the submissions does not count toward it. Last evaluated 2025-12-22.

Conditions:
Hereditary cancer-predisposing syndrome. Also called: Hereditary Cancer Syndrome; Hereditary neoplastic syndrome; Neoplastic Syndromes, Hereditary; Tumor predisposition. Identifiers: Orphanet 140162, MedGen C0027672, MeSH D009386, MONDO:0015356.
Tuberous sclerosis syndrome (TSC). Also called: Tuberous Sclerosis Complex; Tuberous sclerosis. Identifiers: Orphanet 805, MedGen C0041341, MONDO:0001734.
Tuberous sclerosis 2 (TSC2). Identifiers: Orphanet 805, MedGen C1860707, MONDO:0013199, OMIM 613254.

Submissions (3):

Ambry Genetics
Classification: Pathogenic for Hereditary cancer-predisposing syndrome. Last evaluated: 2025-12-22. Review status: criteria provided, single submitter. Criteria: Ambry Variant Classification Scheme 2023. Collection method: clinical testing. Allele origin: germline.
Comment: The p.V1673F pathogenic mutation (also known as c.5017G>T), located in coding exon 38 of the TSC2 gene, results from a G to T substitution at nucleotide position 5017. The valine at codon 1673 is replaced by phenylalanine, an amino acid with highly similar properties. This variant was reported in individual(s) with features consistent with tuberous sclerosis complex (Ambry internal data). This alteration was deleterious in a protein functional assay (Hoogeveen-Westerveld M et al. Hum Mutat, 2013 Jan;34:167-75). This variant is considered to be rare based on population cohorts in the Genome Aggregation Database (gnomAD). This amino acid position is poorly conserved in available vertebrate species. In addition, this alteration is predicted to be deleterious by in silico analysis. Based on the supporting evidence, this variant is interpreted as a disease-causing mutation.

Labcorp Genetics (formerly Invitae), Labcorp
Classification: Uncertain significance for Tuberous sclerosis 2. Last evaluated: 2020-09-03. Review status: criteria provided, single submitter. Criteria: Invitae Variant Classification Sherloc (09022015). Collection method: clinical testing. Allele origin: germline.
Comment: In summary, the available evidence is currently insufficient to determine the role of this variant in disease. Therefore, it has been classified as a Variant of Uncertain Significance. Experimental studies have shown that this variant affects TSC2 protein function (PMID: 22903760). This variant has been observed in individual(s) with tuberous sclerosis complex (PMID: 22903760). ClinVar contains an entry for this variant (Variation ID: 65153). This variant is not present in population databases (ExAC no frequency). This sequence change replaces valine with phenylalanine at codon 1673 of the TSC2 protein (p.Val1673Phe). The valine residue is weakly conserved and there is a small physicochemical difference between valine and phenylalanine.

Tuberous sclerosis database (TSC2)
No classification provided. Condition: TSC. Review status: no classification provided. Criteria: Tuberous Sclerosis Database Assertion Criteria 2015. Collection method: curation. Allele origin: germline. Affected: yes. Not counted in ClinVar's aggregate classification.

Literature cited by the submitters: PubMed 22903760 (cited by Ambry Genetics and Labcorp Genetics (formerly Invitae), Labcorp).

NM_000548.5(TSC2):c.5017G>T (p.Val1673Phe)

Gene: TSC2 (TSC complex subunit 2; plus strand). Cytogenetic location: 16p13.3.
Variant type: single nucleotide variant.
Coding change: c.5017G>T on transcript NM_000548.5 (MANE Select); coding-DNA position 5017, G replaced by T.
Protein change: p.Val1673Phe; replaces valine 1673 with phenylalanine.
Molecular consequence: missense variant.
Genome position (GRCh38, 1-based): chr16:2,087,890, G>T. VCF-style: chr16-2087890-G-T. GRCh37 (hg19) VCF-style: chr16-2137891-G-T.
Other names: c.4816G>T, p.Val1606Phe (NM_001077183.3); c.4948G>T, p.Val1650Phe (NM_001114382.3); c.4708G>T, p.Val1570Phe (NM_001318827.2); c.4672G>T, p.Val1558Phe (NM_001318829.2); c.4285G>T, p.Val1429Phe (NM_001318831.2); c.4849G>T, p.Val1617Phe (NM_001318832.2); c.4819G>T, p.Val1607Phe (NM_001363528.2); c.4885G>T, p.Val1629Phe (NM_001370404.1); and 1 more; short protein forms V1673F, V1606F, V1617F, V1429F, V1607F, V1570F, V1629F, V1630F.
Identifiers: ClinVar variation 65153 (VCV000065153.12), dbSNP rs45490993, ClinGen allele CA021508.